The following is an entry in ClinVar:

ClinVar aggregate classification (germline): Pathogenic. Review status: criteria provided, single submitter (1 of 4 stars). 2 submissions from 2 submitters: Pathogenic (1). 1 of the submissions does not count toward it. Last evaluated 2025-10-21.

Conditions:
Ehlers-Danlos syndrome, type 4 (EDSVASC). Also called: Ehlers-Danlos syndrome vascular type; Ehlers Danlos syndrome, ecchymotic type; Ehlers Danlos syndrome, arterial type; Ehlers Danlos syndrome, Sack-Barabas type; Ehlers-Danlos Syndrome Type IV. Identifiers: Orphanet 286, MedGen C0268338, MONDO:0017314, OMIM 130050.

Submissions (2):

Labcorp Genetics (formerly Invitae), Labcorp
Classification: Pathogenic for Ehlers-Danlos syndrome, type 4. Last evaluated: 2025-10-21. Review status: criteria provided, single submitter. Criteria: Invitae Variant Classification Sherloc (09022015). Collection method: clinical testing. Allele origin: germline.
Comment: This sequence change replaces glycine, which is neutral and non-polar, with valine, which is neutral and non-polar, at codon 504 of the COL3A1 protein (p.Gly504Val). This variant is not present in population databases (gnomAD no frequency). This missense change has been observed in individual(s) with Ehlers-Danlos syndrome (PMID: 24922459, 30474650; internal data). ClinVar contains an entry for this variant (Variation ID: 101363). Experimental studies and prediction algorithms are not available or were not evaluated, and the functional significance of this variant is currently unknown. This variant disrupts the triple helix domain of COL3A1. Glycine residues within the Gly-Xaa-Yaa repeats of the triple helix domain are required for the structure and stability of fibrillar collagens (PMID: 7695699, 8218237, 19344236). In COL3A1, variants that affect these glycine residues are significantly enriched in individuals with disease (PMID: 24922459, 25758994) compared to the general population (ExAC). For these reasons, this variant has been classified as Pathogenic.

Collagen Diagnostic Laboratory, University of Washington
Classification: Pathogenic for Ehlers-Danlos syndrome, type 4. Review status: no assertion criteria provided. Collection method: clinical testing. Allele origin: germline. Affected: yes. Not counted in ClinVar's aggregate classification.

Literature cited by the submitters: PubMed 24922459 (cited by Labcorp Genetics (formerly Invitae), Labcorp); PubMed 30474650 (cited by Labcorp Genetics (formerly Invitae), Labcorp); PubMed 7695699 (cited by Labcorp Genetics (formerly Invitae), Labcorp); PubMed 8218237 (cited by Labcorp Genetics (formerly Invitae), Labcorp); PubMed 19344236 (cited by Labcorp Genetics (formerly Invitae), Labcorp); PubMed 25758994 (cited by Labcorp Genetics (formerly Invitae), Labcorp).

NM_000090.4(COL3A1):c.1511G>T (p.Gly504Val)

Gene: COL3A1 (collagen type III alpha 1 chain; plus strand). Cytogenetic location: 2q32.2.
Variant type: single nucleotide variant.
Coding change: c.1511G>T on transcript NM_000090.4 (MANE Select); coding-DNA position 1511, G replaced by T.
Protein change: p.Gly504Val; replaces glycine 504 with valine.
Molecular consequence: missense variant.
Genome position (GRCh38, 1-based): chr2:188,995,693, G>T. VCF-style: chr2-188995693-G-T. GRCh37 (hg19) VCF-style: chr2-189860419-G-T.
Identifiers: ClinVar variation 101363 (VCV000101363.3), dbSNP rs587779632, ClinGen allele CA004341.